The following is an entry in ClinVar:

ClinVar aggregate classification (germline): Uncertain significance (1 of 4 stars; one submission).

Conditions:
Nephronophthisis 18 (NPHP18). Identifiers: Orphanet 655, MedGen C3890591, MONDO:0014374, OMIM 615862.

Submission:

Labcorp Genetics (formerly Invitae), Labcorp
Classification: Uncertain significance for Nephronophthisis 18. Last evaluated: 2023-07-10. Review status: criteria provided, single submitter. Criteria: Invitae Variant Classification Sherloc (09022015). Collection method: clinical testing. Allele origin: germline.
Comment: This variant is not present in population databases (gnomAD no frequency). In summary, the available evidence is currently insufficient to determine the role of this variant in disease. Therefore, it has been classified as a Variant of Uncertain Significance. Advanced modeling of protein sequence and biophysical properties (such as structural, functional, and spatial information, amino acid conservation, physicochemical variation, residue mobility, and thermodynamic stability) performed at Invitae indicates that this missense variant is expected to disrupt CEP83 protein function. ClinVar contains an entry for this variant (Variation ID: 1482873). This variant has not been reported in the literature in individuals affected with CEP83-related conditions. This sequence change replaces histidine, which is basic and polar, with asparagine, which is neutral and polar, at codon 56 of the CEP83 protein (p.His56Asn).

NM_016122.3(CEP83):c.166C>A (p.His56Asn)

Gene: CEP83 (centrosomal protein 83; minus strand). Cytogenetic location: 12q22.
Variant type: single nucleotide variant.
Coding change: c.166C>A on transcript NM_016122.3 (MANE Select); coding-DNA position 166, C replaced by A.
Protein change: p.His56Asn; replaces histidine 56 with asparagine.
Molecular consequence: missense variant. On other transcripts: non-coding transcript variant (1), intron variant (6).
Genome position (GRCh38, 1-based): chr12:94,412,325, G>T on the plus strand (C>A on the coding strand, the complement: CEP83 is on the minus strand). VCF-style: chr12-94412325-G-T. GRCh37 (hg19) VCF-style: chr12-94806101-G-T.
Other names: c.166C>A, p.His56Asn (NM_001042399.2, NM_001346457.2, NM_001346460.2 and 4 more transcripts); c.-140+192C>A (NM_001346459.2, NM_001346458.2, NM_001368040.1 and 3 more transcripts); short protein forms H56N.
Identifiers: ClinVar variation 1482873 (VCV001482873.8), dbSNP rs2063937105, ClinGen allele CA386144474.